The following is an entry in ClinVar:

ClinVar aggregate classification (germline): Benign/Likely benign. Review status: criteria provided, multiple submitters, no conflicts (2 of 4 stars). 3 submissions from 3 submitters: Benign (1); Likely benign (2). Last evaluated 2026-04-16.

Conditions:
Hereditary cancer-predisposing syndrome. Also called: Hereditary neoplastic syndrome; Neoplastic Syndromes, Hereditary; Tumor predisposition; Hereditary Cancer Syndrome. Identifiers: Orphanet 140162, MedGen C0027672, MeSH D009386, MONDO:0015356.
Multiple endocrine neoplasia, type 1 (MEN1). Also called: MEA I; MEN I; WERMER SYNDROME; Endocrine adenomatosis multiple; MEN 1. Identifiers: Orphanet 652, MedGen C0025267, MeSH D018761, MONDO:0007540, OMIM 131100.

Submissions (3):

Ambry Genetics
Classification: Likely benign for Hereditary cancer-predisposing syndrome. Last evaluated: 2026-04-16. Review status: criteria provided, single submitter. Criteria: Ambry Variant Classification Scheme 2023. Collection method: clinical testing. Allele origin: germline.

Myriad Genetics, Inc.
Classification: Benign for Multiple endocrine neoplasia, type 1. Last evaluated: 2024-11-05. Review status: criteria provided, single submitter. Criteria: Myriad Autosomal Dominant, Autosomal Recessive and X-Linked Classification Criteria (2023). Collection method: clinical testing. Allele origin: unknown.
Comment: This variant is considered benign. This variant is a silent/synonymous amino acid change and it is not expected to impact splicing.

Labcorp Genetics (formerly Invitae), Labcorp
Classification: Likely benign for Multiple endocrine neoplasia, type 1. Last evaluated: 2020-10-02. Review status: criteria provided, single submitter. Criteria: Invitae Variant Classification Sherloc (09022015). Collection method: clinical testing. Allele origin: germline.

NM_001370259.2(MEN1):c.1668G>A (p.Glu556=)

Gene: MEN1 (menin 1; minus strand). Cytogenetic location: 11q13.1.
Variant type: single nucleotide variant.
Coding change: c.1668G>A on transcript NM_001370259.2 (MANE Select); coding-DNA position 1668, G replaced by A.
Protein change: p.Glu556=; no amino-acid change (glutamic acid 556 retained).
Molecular consequence: synonymous variant.
Genome position (GRCh38, 1-based): chr11:64,804,499, C>T on the plus strand (G>A on the coding strand, the complement: MEN1 is on the minus strand). VCF-style: chr11-64804499-C-T. GRCh37 (hg19) VCF-style: chr11-64571971-C-T.
Other names: c.1668G>A (NM_130799.2); c.1683G>A, p.Glu561= (NM_000244.4, NM_130800.3, NM_130801.3 and 3 more transcripts); c.1794G>A, p.Glu598= (NM_001370251.2); c.1668G>A, p.Glu556= (NM_001370260.2, NM_001370261.2, NM_130799.3); c.1563G>A, p.Glu521= (NM_001370262.2, NM_001370263.2).
Identifiers: ClinVar variation 1117370 (VCV001117370.11), dbSNP rs2136080910, ClinGen allele CA475163451.